The following is an entry in ClinVar:

NM_014239.4(EIF2B2):c.598G>A (p.Gly200Ser)

Gene: EIF2B2 (eukaryotic translation initiation factor 2B subunit beta; plus strand). Cytogenetic location: 14q24.3.
Variant type: single nucleotide variant.
Coding change: c.598G>A on transcript NM_014239.4 (MANE Select); coding-DNA position 598, G replaced by A.
Protein change: p.Gly200Ser; replaces glycine 200 with serine.
Molecular consequence: missense variant.
Genome position (GRCh38, 1-based): chr14:75,005,866, G>A. VCF-style: chr14-75005866-G-A. GRCh37 (hg19) VCF-style: chr14-75472569-G-A.
Other names: short protein forms G200S.
Identifiers: ClinVar variation 3902377 (VCV003902377.1).
Genomic context (GRCh38, chr14:75,005,866, plus strand): 5'-GAGCACTTTTCACTATTTCTCACTCTTTCTCTTAGAATCAGCCTTTCCCTCCCATTGCAG[G>A]GTCATGAAATGGCTGTGAATTTGTCCAAAGCAGGTATTGAGACAACTGTCATGACTGATG-3'
Protein context (NP_055054.1, residues 190-210): IVAECAPFCQ[Gly200Ser]HEMAVNLSKA

ClinVar aggregate classification (germline): Uncertain significance (1 of 4 stars; one submission).

gnomAD v4.1: 2 of 1,611,662 alleles (0.00012%); highest among the groups gnomAD compares: African/African-American, 0.0013%; no homozygotes.

Submission:

Women's Health and Genetics/Laboratory Corporation of America, LabCorp
Classification: Uncertain significance. Last evaluated: 2025-05-08. Review status: criteria provided, single submitter. Criteria: LabCorp Variant Classification Summary - May 2015. Collection method: clinical testing. Allele origin: germline.
Comment: Variant summary: EIF2B2 c.598G>A (p.Gly200Ser) results in a non-conservative amino acid change in the encoded protein sequence. Algorithms developed to predict the effect of missense changes on protein structure and function all suggest that this variant is likely to be disruptive. Consensus agreement among computation tools predict no significant impact on normal splicing. However, these predictions have yet to be confirmed by functional studies. The variant allele was found at a frequency of 8e-06 in 251472 control chromosomes. The available data on variant occurrences in the general population are insufficient to allow any conclusion about variant significance. To our knowledge, no occurrence of c.598G>A in individuals affected with Leukoencephalopathy With Vanishing White Matter and no experimental evidence demonstrating its impact on protein function have been reported. No submitters have cited clinical-significance assessments for this variant to ClinVar. Based on the evidence outlined above, the variant was classified as uncertain significance.